The following is an entry in ClinVar:

NM_000043.6(FAS):c.340G>A (p.Glu114Lys)

Gene: FAS (Fas cell surface death receptor; plus strand). Cytogenetic location: 10q23.31.
Variant type: single nucleotide variant.
Coding change: c.340G>A on transcript NM_000043.6 (MANE Select); coding-DNA position 340, G replaced by A.
Protein change: p.Glu114Lys; replaces glutamic acid 114 with lysine.
Molecular consequence: missense variant. On other transcripts: non-coding transcript variant (1).
Genome position (GRCh38, 1-based): chr10:89,008,894, G>A. VCF-style: chr10-89008894-G-A. GRCh37 (hg19) VCF-style: chr10-90768651-G-A.
Other names: c.340G>A, p.Glu114Lys (NM_001320619.2, NM_152871.4, NM_152872.4); c.385G>A, p.Glu129Lys (NM_001410956.1); short protein forms E114K, E129K.
Identifiers: ClinVar variation 2901707 (VCV002901707.3), dbSNP rs773565107, ClinGen allele CA5593097.

ClinVar aggregate classification (germline): Uncertain significance (1 of 4 stars; one submission).

Conditions:
Autoimmune lymphoproliferative syndrome type 1. Also called: AUTOIMMUNE LYMPHOPROLIFERATIVE SYNDROME, TYPE I, AUTOSOMAL DOMINANT. Identifiers: Orphanet 3261, MedGen C2717884, MONDO:0011158, OMIM 601859.

Allele frequency attached by ClinVar (database versions not stated): gnomAD exomes 0.00001; ExAC 0.00001; gnomAD 0.00001; TOPMed 0.00002.
gnomAD v4.1: 9 of 1,613,774 alleles (0.00056%); highest among the groups gnomAD compares: Admixed American, 0.005%; no homozygotes.

Submission:

Labcorp Genetics (formerly Invitae), Labcorp
Classification: Uncertain significance for Autoimmune lymphoproliferative syndrome. Last evaluated: 2024-06-12. Review status: criteria provided, single submitter. Criteria: Invitae Variant Classification Sherloc (09022015). Collection method: clinical testing. Allele origin: germline.
Comment: This sequence change replaces glutamic acid, which is acidic and polar, with lysine, which is basic and polar, at codon 114 of the FAS protein (p.Glu114Lys). This variant is present in population databases (rs773565107, gnomAD 0.003%). This variant has not been reported in the literature in individuals affected with FAS-related conditions. Advanced modeling of protein sequence and biophysical properties (such as structural, functional, and spatial information, amino acid conservation, physicochemical variation, residue mobility, and thermodynamic stability) has been performed at Invitae for this missense variant, however the output from this modeling did not meet the statistical confidence thresholds required to predict the impact of this variant on FAS protein function. In summary, the available evidence is currently insufficient to determine the role of this variant in disease. Therefore, it has been classified as a Variant of Uncertain Significance.